The following is an entry in ClinVar:

NM_201253.3(CRB1):c.1640A>G (p.Gln547Arg)

Gene: CRB1 (crumbs cell polarity complex component 1; plus strand). Cytogenetic location: 1q31.3.
Variant type: single nucleotide variant.
Coding change: c.1640A>G on transcript NM_201253.3 (MANE Select); coding-DNA position 1640, A replaced by G.
Protein change: p.Gln547Arg; replaces glutamine 547 with arginine.
Molecular consequence: missense variant. On other transcripts: non-coding transcript variant (2).
Genome position (GRCh38, 1-based): chr1:197,421,468, A>G. VCF-style: chr1-197421468-A-G. GRCh37 (hg19) VCF-style: chr1-197390598-A-G.
Other names: c.1304A>G, p.Gln435Arg (NM_001193640.2); c.1433A>G, p.Gln478Arg (NM_001257965.2); c.1640A>G, p.Gln547Arg (NM_001257966.2); short protein forms Q478R, Q435R, Q547R.
Identifiers: ClinVar variation 4990342 (VCV004990342.1).

ClinVar aggregate classification (germline): Uncertain significance (1 of 4 stars; one submission).

Conditions:
CRB1-related disorder. Also called: CRB1-related disorders; CRB1-related condition.

gnomAD v4.1: 28 of 1,614,250 alleles (0.0017%); highest among the groups gnomAD compares: Non-Finnish European, 0.0022%; no homozygotes.

Submission:

PreventionGenetics, part of Exact Sciences
Classification: Uncertain significance for CRB1-related condition. Last evaluated: 2026-04-21. Review status: criteria provided, single submitter. Criteria: ACMG Guidelines, 2015. Collection method: clinical testing. Allele origin: germline.
Comment: The CRB1 c.1640A>G variant is predicted to result in the amino acid substitution p.Gln547Arg. To our knowledge, this variant has not been reported in the literature or in a large population database (gnomAD), indicating this variant is rare. At this time, the clinical significance of this variant is uncertain due to the absence of conclusive functional and genetic evidence.